The following is an entry in ClinVar:

NM_012088.3(PGLS):c.375C>G (p.Asp125Glu)

Gene: PGLS (6-phosphogluconolactonase; plus strand). Cytogenetic location: 19p13.11.
Variant type: single nucleotide variant.
Coding change: c.375C>G on transcript NM_012088.3 (MANE Select); coding-DNA position 375, C replaced by G.
Protein change: p.Asp125Glu; replaces aspartic acid 125 with glutamic acid.
Molecular consequence: missense variant.
Genome position (GRCh38, 1-based): chr19:17,516,259, C>G. VCF-style: chr19-17516259-C-G. GRCh37 (hg19) VCF-style: chr19-17627068-C-G.
Other names: p.Asp125Glu; short protein forms D125E.
Identifiers: ClinVar variation 3380599 (VCV003380599.2).

ClinVar aggregate classification (germline): Uncertain significance (1 of 4 stars; one submission).

gnomAD v4.1: 3,597 of 1,613,944 alleles (0.22%); highest among the groups gnomAD compares: Non-Finnish European, 0.28%; 5 homozygotes.

Submission:

Mayo Clinic Laboratories, Mayo Clinic
Classification: Uncertain significance. Last evaluated: 2025-08-14. Review status: criteria provided, single submitter. Criteria: ACMG Guidelines, 2015. Collection method: clinical testing. Allele origin: germline. Observed: 4 variant alleles.
Comment: BP4_moderate